The following is an entry in ClinVar:

ClinVar aggregate classification (germline): Uncertain significance (1 of 4 stars; one submission).

Conditions:
Progressive myoclonic epilepsy type 8. Identifiers: Orphanet 424027, MedGen C5190825, MONDO:0014545, OMIM 616230.

Allele frequency attached by ClinVar (database versions not stated): TOPMed 0.00022.
gnomAD v4.1: 49 of 1,612,698 alleles (0.003%); highest among the groups gnomAD compares: Admixed American, 0.082%; no homozygotes.

Submission:

Labcorp Genetics (formerly Invitae), Labcorp
Classification: Uncertain significance for Progressive myoclonic epilepsy type 8. Last evaluated: 2024-04-30. Review status: criteria provided, single submitter. Criteria: Invitae Variant Classification Sherloc (09022015). Collection method: clinical testing. Allele origin: germline.
Comment: This sequence change replaces proline, which is neutral and non-polar, with alanine, which is neutral and non-polar, at codon 279 of the CERS1 protein (p.Pro279Ala). This variant is present in population databases (no rsID available, gnomAD 0.05%). This variant has not been reported in the literature in individuals affected with CERS1-related conditions. ClinVar contains an entry for this variant (Variation ID: 1027071). Advanced modeling of protein sequence and biophysical properties (such as structural, functional, and spatial information, amino acid conservation, physicochemical variation, residue mobility, and thermodynamic stability) performed at Invitae indicates that this missense variant is not expected to disrupt CERS1 protein function with a negative predictive value of 80%. In summary, the available evidence is currently insufficient to determine the role of this variant in disease. Therefore, it has been classified as a Variant of Uncertain Significance.

NM_021267.5(CERS1):c.835C>G (p.Pro279Ala)

Genes: CERS1 (ceramide synthase 1; minus strand), GDF1 (growth differentiation factor 1; minus strand). Cytogenetic location: 19p13.11.
Variant type: single nucleotide variant.
Coding change: c.835C>G on transcript NM_021267.5 (MANE Select); coding-DNA position 835, C replaced by G.
Protein change: p.Pro279Ala; replaces proline 279 with alanine.
Molecular consequence: missense variant. On other transcripts: 5 prime UTR variant (1), intron variant (1).
Genome position (GRCh38, 1-based): chr19:18,879,306, G>C on the plus strand (C>G on the coding strand, the complement: CERS1 is on the minus strand). VCF-style: chr19-18879306-G-C. GRCh37 (hg19) VCF-style: chr19-18990115-G-C.
Other names: c.541C>G, p.Pro181Ala (NM_001290265.2, NM_001387442.1, NM_001387443.1 and 2 more transcripts); c.835C>G, p.Pro279Ala (NM_001387439.1, NM_001387440.1, NM_198207.3); c.790C>G, p.Pro264Ala (NM_001387441.1); c.-488C>G (NM_001492.6); c.-313+4781C>G (NM_001387438.1); short protein forms P181A, P279A, P264A.
Identifiers: ClinVar variation 1027071 (VCV001027071.8), dbSNP rs368072339, ClinGen allele CA404865513.